The following is an entry in ClinVar:

ClinVar aggregate classification (germline): Pathogenic. Review status: criteria provided, multiple submitters, no conflicts (2 of 4 stars). 3 submissions from 3 submitters: Pathogenic (2). 1 of the submissions does not count toward it. Last evaluated 2025-11-23.

Conditions:
Autosomal dominant limb-girdle muscular dystrophy type 1D (DNAJB6) (LGMDD1). Also called: MUSCULAR DYSTROPHY, LIMB-GIRDLE, TYPE 1D; Autosomal dominant limb-girdle muscular dystrophy type 1D; Muscular dystrophy, limb-girdle, autosomal dominant 1; MUSCULAR DYSTROPHY, AUTOSOMAL DOMINANT, WITH RIMMED VACUOLES. Identifiers: Orphanet 34516, MedGen C4721885, MONDO:0021018, OMIM 603511.

Submissions (3):

Labcorp Genetics (formerly Invitae), Labcorp
Classification: Pathogenic for Autosomal dominant limb-girdle muscular dystrophy type 1D (DNAJB6). Last evaluated: 2025-11-23. Review status: criteria provided, single submitter. Criteria: Invitae Variant Classification Sherloc (09022015). Collection method: clinical testing. Allele origin: germline.
Comment: This sequence change replaces proline, which is neutral and non-polar, with arginine, which is basic and polar, at codon 96 of the DNAJB6 protein (p.Pro96Arg). This variant is not present in population databases (gnomAD no frequency). This missense change has been observed in individuals with distal myopathy (PMID: 22334415). It has also been observed to segregate with disease in related individuals. ClinVar contains an entry for this variant (Variation ID: 30905). Invitae Evidence Modeling of protein sequence and biophysical properties (such as structural, functional, and spatial information, amino acid conservation, physicochemical variation, residue mobility, and thermodynamic stability) indicates that this missense variant is expected to disrupt DNAJB6 protein function with a positive predictive value of 80%. Experimental studies have shown that this missense change affects DNAJB6 function (PMID: 24920671, 26371419). This variant disrupts the p.Pro96 amino acid residue in DNAJB6. Other variant(s) that disrupt this residue have been determined to be pathogenic (PMID: 27671536, 28233300). This suggests that this residue is clinically significant, and that variants that disrupt this residue are likely to be disease-causing. For these reasons, this variant has been classified as Pathogenic.

Eurofins Ntd Llc (ga)
Classification: Pathogenic. Last evaluated: 2017-04-19. Review status: criteria provided, single submitter. Criteria: EGL Classification Definitions 2015. Collection method: clinical testing. Allele origin: germline. Observed: 2 variant alleles, 2 heterozygotes.

OMIM
Classification: Pathogenic for MUSCULAR DYSTROPHY, LIMB-GIRDLE, AUTOSOMAL DOMINANT 1. Last evaluated: 2012-03-01. Review status: no assertion criteria provided. Collection method: literature only. Allele origin: germline. Not counted in ClinVar's aggregate classification.

Literature cited by the submitters: PubMed 22334415 (cited by 3 submitters); PubMed 24920671 (cited by Labcorp Genetics (formerly Invitae), Labcorp and Eurofins Ntd Llc (ga)); PubMed 26371419 (cited by Labcorp Genetics (formerly Invitae), Labcorp and Eurofins Ntd Llc (ga)); PubMed 27671536 (cited by Labcorp Genetics (formerly Invitae), Labcorp); PubMed 28233300 (cited by Labcorp Genetics (formerly Invitae), Labcorp).

NM_058246.4(DNAJB6):c.287C>G (p.Pro96Arg)

Gene: DNAJB6 (DnaJ heat shock protein family (Hsp40) member B6; plus strand). Cytogenetic location: 7q36.3.
Variant type: single nucleotide variant.
Coding change: c.287C>G on transcript NM_058246.4 (MANE Select); coding-DNA position 287, C replaced by G.
Protein change: p.Pro96Arg; replaces proline 96 with arginine.
Molecular consequence: missense variant.
Genome position (GRCh38, 1-based): chr7:157,367,424, C>G. VCF-style: chr7-157367424-C-G. GRCh37 (hg19) VCF-style: chr7-157160118-C-G.
Other names: c.287C>G, p.Pro96Arg (NM_001363676.1, NM_005494.3); short protein forms P96R.
Identifiers: ClinVar variation 30905 (VCV000030905.13), dbSNP rs387907047, ClinGen allele CA259941.